The following is an entry in ClinVar:

ClinVar aggregate classification (germline): Likely benign (1 of 4 stars; one submission).

Allele frequency attached by ClinVar (database versions not stated): 1000 Genomes Project 30x 0.00078; 1000 Genomes Project 0.00080; ESP Exome Variant Server 0.00208.
gnomAD v4.1: 3,479 of 1,614,122 alleles (0.22%); highest among the groups gnomAD compares: Non-Finnish European, 0.26%; 6 homozygotes.

Submission:

CeGaT Center for Human Genetics Tuebingen
Classification: Likely benign. Last evaluated: 2022-07-01. Review status: criteria provided, single submitter. Criteria: CeGaT Center For Human Genetics Tuebingen Variant Classification Criteria Version 2. Collection method: clinical testing. Allele origin: germline. Affected: yes. Observed: 1 variant allele.
Comment: ZNF212: BP4, BP7

NM_012256.4(ZNF212):c.285C>T (p.Ala95=)

Gene: ZNF212 (zinc finger protein 212; plus strand). Cytogenetic location: 7q36.1.
Variant type: single nucleotide variant.
Coding change: c.285C>T on transcript NM_012256.4 (MANE Select); coding-DNA position 285, C replaced by T.
Protein change: p.Ala95=; no amino-acid change (alanine 95 retained).
Molecular consequence: synonymous variant.
Genome position (GRCh38, 1-based): chr7:149,250,419, C>T. VCF-style: chr7-149250419-C-T. GRCh37 (hg19) VCF-style: chr7-148947510-C-T.
Identifiers: ClinVar variation 2658142 (VCV002658142.24), dbSNP rs140725635, ClinGen allele CA4551111.